The following is an entry in ClinVar:

ClinVar aggregate classification (germline): Pathogenic (1 of 4 stars; one submission).

Conditions:
Hereditary breast ovarian cancer syndrome. Also called: Hereditary breast and ovarian cancer syndrome (HBOC); Hereditary breast and/or ovarian cancer syndrome; Hereditary breast and ovarian cancer syndrome; Breast and ovarian cancer; BRCA1- and BRCA2-Associated Hereditary Breast and Ovarian Cancer; Hereditary breast and ovarian cancer. Identifiers: Orphanet 145, MedGen C0677776, MeSH D061325, MONDO:0003582. Disease mechanism: loss of function.

Submission:

Labcorp Genetics (formerly Invitae), Labcorp
Classification: Pathogenic for Hereditary breast and ovarian cancer syndrome. Last evaluated: 2019-07-07. Review status: criteria provided, single submitter. Criteria: Invitae Variant Classification Sherloc (09022015). Collection method: clinical testing. Allele origin: germline.
Comment: This sequence change inserts a large fragment of DNA, likely a transposable element, in exon 11 of the BRCA2 gene (c.5007_5008insAlu), causing a frameshift at codon 1670 (p.Ala1670fs). The exact size and sequence of the insertion cannot be determined by the current assay. However, the insertion is expected to result in an absent or disrupted protein product. Retrotransposon insertions including LINE1 (L1), Alu, and SVA (SINE-VNTR-Alu) have been reported to be disease-causing through disruption of either a coding region or splice site (PMID: 19763152, 20307669, 22406018), and loss-of-function variants in BRCA2 are known to be pathogenic (PMID: 20104584). A retrotransposon insertion at this location in BRCA2 has been reported in individuals undergoing testing for hereditary breast and ovarian cancer (PMID: 29025590) For these reasons, this variant has been classified as Pathogenic.

Literature cited by the submitters: PubMed 20307669; PubMed 20104584; PubMed 22406018; PubMed 19763152; PubMed 29025590.

NM_000059.3:c.5007_5008insAlu

Gene: BRCA2 (BRCA2 DNA repair associated; plus strand). Cytogenetic location: 13q13.1.
Variant type: Insertion.
Identifiers: ClinVar variation 870307 (VCV000870307.1).